The following is an entry in ClinVar:

ClinVar aggregate classification (germline): Pathogenic (1 of 4 stars; one submission).

Submission:

Labcorp Genetics (formerly Invitae), Labcorp
Classification: Pathogenic. Last evaluated: 2022-07-12. Review status: criteria provided, single submitter. Criteria: Invitae Variant Classification Sherloc (09022015). Collection method: clinical testing. Allele origin: unknown.
Comment: For these reasons, this variant has been classified as Pathogenic. A similar copy number variant has been observed in individual(s) with choroideremia (PMID: 27070432). This variant is a gross deletion of the genomic region encompassing exon(s) 1-2 of the CHM gene, which includes the initiator codon. This deletion extends beyond the assayed region for this gene and therefore may encompass additional genes. It is expected to result in an absent or disrupted protein product. Loss-of-function variants in CHM are known to be pathogenic (PMID: 9067750, 23811034).

Literature cited by the submitters: PubMed 27070432; PubMed 9067750; PubMed 23811034.

NC_000023.10:g.(?_85282475)_(85302644_?)del

Gene: CHM (CHM Rab escort protein; minus strand). Cytogenetic location: Xq21.2.
Variant type: Deletion.
Identifiers: ClinVar variation 3245844 (VCV003245844.1).